The following is an entry in ClinVar:

ClinVar aggregate classification (germline): Uncertain significance. Review status: criteria provided, multiple submitters, no conflicts (2 of 4 stars). 4 submissions from 4 submitters: Uncertain significance (4). Last evaluated 2025-09-01.

Conditions:
Dilated cardiomyopathy 1G (CMD1G). Identifiers: Orphanet 154, MedGen C1858763, MONDO:0011400, OMIM 604145.
Autosomal recessive limb-girdle muscular dystrophy type 2J (LGMDR10). Also called: MUSCULAR DYSTROPHY, LIMB-GIRDLE, AUTOSOMAL RECESSIVE 10; Limb-girdle muscular dystrophy, type 2J. Identifiers: Orphanet 140922, MedGen C1837342, MONDO:0012127, OMIM 608807.
TTN-related disorder. Also called: TTN-related condition; TTN-related disease; TTN-related disorders.

Allele frequency attached by ClinVar (database versions not stated): gnomAD 0.00001; gnomAD exomes 0.00001; ExAC 0.00002; TOPMed 0.00002.
gnomAD v4.1: 13 of 1,613,332 alleles (0.00081%); highest among the groups gnomAD compares: African/African-American, 0.0027%; no homozygotes.

Submissions (4):

PreventionGenetics, part of Exact Sciences
Classification: Uncertain significance for TTN-related condition. Last evaluated: 2025-09-01. Review status: criteria provided, single submitter. Criteria: ACMG Guidelines, 2015. Collection method: clinical testing. Allele origin: germline.
Comment: The TTN c.62467C>T variant is predicted to result in the amino acid substitution p.Arg20823Cys. This variant has been reported as a variant of uncertain significance in an individual with dilated cardiomyopathy (Table S2, Haskell et al. 2017. PubMed ID: 28611029). This variant is reported in 0.0065% of alleles in individuals of African descent in gnomAD. At this time, the clinical significance of this variant is uncertain due to the absence of conclusive functional and genetic evidence.

Revvity Omics, Revvity
Classification: Uncertain significance. Last evaluated: 2019-10-07. Review status: criteria provided, single submitter. Criteria: ACMG Guidelines, 2015. Collection method: clinical testing. Allele origin: germline.

GeneDx
Classification: Uncertain significance. Last evaluated: 2019-04-29. Review status: criteria provided, single submitter. Criteria: GeneDx Variant Classification Process June 2021. Collection method: clinical testing. Allele origin: germline. Affected: yes.
Comment: Not observed at a significant frequency in large population cohorts (Lek et al., 2016); Missense variant in a gene in which most reported pathogenic variants are truncating/loss-of-function; This variant is associated with the following publications: (PMID: 28611029)

Labcorp Genetics (formerly Invitae), Labcorp
Classification: Uncertain significance for Dilated cardiomyopathy 1G; Autosomal recessive limb-girdle muscular dystrophy type 2J. Last evaluated: 2017-11-16. Review status: criteria provided, single submitter. Criteria: Invitae Variant Classification Sherloc (09022015). Collection method: clinical testing. Allele origin: germline.

NM_001267550.2(TTN):c.62467C>T (p.Arg20823Cys)

Genes: TTN (titin; minus strand), TTN-AS1 (TTN antisense RNA 1; plus strand). Cytogenetic location: 2q31.2.
Variant type: single nucleotide variant.
Coding change: c.62467C>T on transcript NM_001267550.2 (MANE Select); coding-DNA position 62467, C replaced by T.
Protein change: p.Arg20823Cys; replaces arginine 20823 with cysteine.
Molecular consequence: missense variant.
Genome position (GRCh38, 1-based): chr2:178,589,258, G>A on the plus strand (C>T on the coding strand, the complement: TTN is on the minus strand). VCF-style: chr2-178589258-G-A. GRCh37 (hg19) VCF-style: chr2-179453985-G-A.
Other names: c.57544C>T, p.Arg19182Cys (NM_001256850.1); c.35272C>T, p.Arg11758Cys (NM_003319.4); c.54763C>T, p.Arg18255Cys (NM_133378.4); c.35647C>T, p.Arg11883Cys (NM_133432.3); c.35848C>T, p.Arg11950Cys (NM_133437.4); short protein forms R20823C, R11758C, R11883C, R11950C, R18255C, R19182C.
Identifiers: ClinVar variation 535415 (VCV000535415.8), dbSNP rs779686013, ClinGen allele CA1992223.
Genomic context (GRCh38, chr2:178,589,258, plus strand): 5'-CATATTTACCCCCATCACTTCGCTTTGCTTTAGTAAGAGAAAATTTAGATGAATCAGCAC[G>A]GGTATCAATCTTGACCCTTGGTGATCTTGTTAAGTCTGTAGCGTCTTTGTCCTTGGTCCA-3'
Protein context (NP_001254479.2, residues 20813-20833): TRSPRVKIDT[Arg20823Cys]ADSSKFSLTK